The following is an entry in ClinVar:

ClinVar aggregate classification (germline): Uncertain significance (1 of 4 stars; one submission).

Conditions:
Cardiovascular phenotype. Identifiers: MedGen CN230736.

Submission:

Ambry Genetics
Classification: Uncertain significance for Cardiovascular phenotype. Last evaluated: 2025-09-19. Review status: criteria provided, single submitter. Criteria: Ambry Variant Classification Scheme 2023. Collection method: clinical testing. Allele origin: germline.
Comment: The c.249delG variant, located in coding exon 1 of the ALPK3 gene, results from a deletion of one nucleotide at nucleotide position 249, causing a translational frameshift with a predicted alternate stop codon (p.P84Lfs*70). This variant is expected to result in loss of function by premature protein truncation or nonsense-mediated mRNA decay. However, based on data from gnomAD, several loss of function alterations in the first exon of ALPK3 (p.C64* and p.E148Qfs*8) are too frequent to cause disease given the incidence of pediatric cardiomyopathy. The abundance of nonsense and frameshift alleles in the first exon in population databases brings into question the pathogenicity of loss of function alterations in N-terminus of ALPK3 and suggests the possibility of an alternative start site. Since supporting evidence is limited at this time, the clinical significance of this alteration remains unclear.

NM_020778.4:c.249delG

Gene: ALPK3 (alpha kinase 3; plus strand).
Variant type: Deletion.
Identifiers: ClinVar variation 4613490 (VCV004613490.1).